The following is an entry in ClinVar:

NM_001042492.3(NF1):c.7697C>T (p.Pro2566Leu)

Gene: NF1 (neurofibromin 1; plus strand). Cytogenetic location: 17q11.2.
Variant type: single nucleotide variant.
Coding change: c.7697C>T on transcript NM_001042492.3 (MANE Select); coding-DNA position 7697, C replaced by T.
Protein change: p.Pro2566Leu; replaces proline 2566 with leucine.
Molecular consequence: missense variant.
Genome position (GRCh38, 1-based): chr17:31,356,541, C>T. VCF-style: chr17-31356541-C-T. GRCh37 (hg19) VCF-style: chr17-29683559-C-T.
Other names: c.7634C>T, p.Pro2545Leu (NM_000267.4); short protein forms P2545L, P2566L.
Identifiers: ClinVar variation 1380980 (VCV001380980.9), dbSNP rs1218492217, ClinGen allele CA399018154.

ClinVar aggregate classification (germline): Uncertain significance. Review status: criteria provided, multiple submitters, no conflicts (2 of 4 stars). 2 submissions from 2 submitters: Uncertain significance (2). Last evaluated 2025-03-31.

Conditions:
Cardiovascular phenotype. Identifiers: MedGen CN230736.
Hereditary cancer-predisposing syndrome. Also called: Tumor predisposition; Hereditary neoplastic syndrome; Neoplastic Syndromes, Hereditary; Hereditary Cancer Syndrome. Identifiers: Orphanet 140162, MedGen C0027672, MeSH D009386, MONDO:0015356.
Neurofibromatosis, type 1 (NF1). Also called: VON RECKLINGHAUSEN DISEASE; Peripheral type neurofibromatosis; Neurofibromatosis, type I; NEUROFIBROMATOSIS, TYPE I, SOMATIC. Identifiers: Orphanet 636, MedGen C0027831, MONDO:0018975, OMIM 162200. Disease mechanism: loss of function.

Allele frequency attached by ClinVar (database versions not stated): gnomAD exomes below 0.00001.
gnomAD v4.1: 2 of 1,613,650 alleles (0.00012%); highest among the groups gnomAD compares: Admixed American, 0.0017%; no homozygotes.

Submissions (2):

Labcorp Genetics (formerly Invitae), Labcorp
Classification: Uncertain significance for Neurofibromatosis, type 1. Last evaluated: 2025-03-31. Review status: criteria provided, single submitter. Criteria: Invitae Variant Classification Sherloc (09022015). Collection method: clinical testing. Allele origin: germline.
Comment: This sequence change replaces proline, which is neutral and non-polar, with leucine, which is neutral and non-polar, at codon 2545 of the NF1 protein (p.Pro2545Leu). This variant is present in population databases (no rsID available, gnomAD 0.003%). This variant has not been reported in the literature in individuals affected with NF1-related conditions. ClinVar contains an entry for this variant (Variation ID: 1380980). Invitae Evidence Modeling of protein sequence and biophysical properties (such as structural, functional, and spatial information, amino acid conservation, physicochemical variation, residue mobility, and thermodynamic stability) has been performed for this missense variant. However, the output from this modeling did not meet the statistical confidence thresholds required to predict the impact of this variant on NF1 protein function. In summary, the available evidence is currently insufficient to determine the role of this variant in disease. Therefore, it has been classified as a Variant of Uncertain Significance.

Ambry Genetics
Classification: Uncertain significance for Cardiovascular phenotype; Hereditary cancer-predisposing syndrome. Last evaluated: 2024-10-28. Review status: criteria provided, single submitter. Criteria: Ambry Variant Classification Scheme 2023. Collection method: clinical testing. Allele origin: germline.
Comment: The p.P2545L variant (also known as c.7634C>T), located in coding exon 51 of the NF1 gene, results from a C to T substitution at nucleotide position 7634. The proline at codon 2545 is replaced by leucine, an amino acid with similar properties. This amino acid position is conserved. In addition, the in silico prediction for this alteration is inconclusive. Based on the available evidence, the clinical significance of this variant remains unclear.